The following is an entry in ClinVar:

ClinVar aggregate classification (germline): Uncertain significance (1 of 4 stars; one submission).

Conditions:
Hereditary spastic paraplegia 4. Also called: Familial spastic paraplegia autosomal dominant 2; Spastic paraplegia 4, autosomal dominant; Spastic Paraplegia 4. Identifiers: Orphanet 100985, MedGen C1866855, MONDO:0008438, OMIM 182601.

Submission:

Labcorp Genetics (formerly Invitae), Labcorp
Classification: Uncertain significance for Hereditary spastic paraplegia 4. Last evaluated: 2023-12-12. Review status: criteria provided, single submitter. Criteria: Invitae Variant Classification Sherloc (09022015). Collection method: clinical testing. Allele origin: germline.
Comment: This sequence change replaces leucine, which is neutral and non-polar, with phenylalanine, which is neutral and non-polar, at codon 349 of the SPAST protein (p.Leu349Phe). This variant is not present in population databases (gnomAD no frequency). This variant has not been reported in the literature in individuals affected with SPAST-related conditions. ClinVar contains an entry for this variant (Variation ID: 1999803). Advanced modeling of protein sequence and biophysical properties (such as structural, functional, and spatial information, amino acid conservation, physicochemical variation, residue mobility, and thermodynamic stability) performed at Invitae indicates that this missense variant is not expected to disrupt SPAST protein function with a negative predictive value of 80%. In summary, the available evidence is currently insufficient to determine the role of this variant in disease. Therefore, it has been classified as a Variant of Uncertain Significance.

NM_014946.4(SPAST):c.1047G>T (p.Leu349Phe)

Gene: SPAST (spastin; plus strand). Cytogenetic location: 2p22.3.
Variant type: single nucleotide variant.
Coding change: c.1047G>T on transcript NM_014946.4 (MANE Select); coding-DNA position 1047, G replaced by T.
Protein change: p.Leu349Phe; replaces leucine 349 with phenylalanine.
Molecular consequence: missense variant.
Genome position (GRCh38, 1-based): chr2:32,116,161, G>T. VCF-style: chr2-32116161-G-T. GRCh37 (hg19) VCF-style: chr2-32341230-G-T.
Other names: c.1044G>T, p.Leu348Phe (NM_001363823.2); c.948G>T, p.Leu316Phe (NM_001363875.2); c.951G>T, p.Leu317Phe (NM_001377959.1, NM_199436.2); short protein forms L316F, L317F, L349F, L348F.
Identifiers: ClinVar variation 1999803 (VCV001999803.4), dbSNP rs2148734527, ClinGen allele CA346499702.